The following is an entry in ClinVar:

ClinVar aggregate classification (germline): Uncertain significance (1 of 4 stars; one submission).

Conditions:
Hereditary cancer-predisposing syndrome. Also called: Neoplastic Syndromes, Hereditary; Hereditary neoplastic syndrome; Tumor predisposition; Hereditary Cancer Syndrome. Identifiers: Orphanet 140162, MedGen C0027672, MeSH D009386, MONDO:0015356.

Submission:

Ambry Genetics
Classification: Uncertain significance for Hereditary cancer-predisposing syndrome. Last evaluated: 2026-02-18. Review status: criteria provided, single submitter. Criteria: Ambry Variant Classification Scheme 2023. Collection method: clinical testing. Allele origin: germline.
Comment: The p.D605Y variant (also known as c.1813G>T), located in coding exon 9 of the ALK gene, results from a G to T substitution at nucleotide position 1813. The aspartic acid at codon 605 is replaced by tyrosine, an amino acid with highly dissimilar properties. This amino acid position is highly conserved in available vertebrate species. In addition, the in silico prediction for this alteration is inconclusive. Based on the available evidence, the clinical significance of this variant remains unclear.

NM_004304.5(ALK):c.1813G>T (p.Asp605Tyr)

Gene: ALK (ALK receptor tyrosine kinase; minus strand). Cytogenetic location: 2p23.2.
Variant type: single nucleotide variant.
Coding change: c.1813G>T on transcript NM_004304.5 (MANE Select); coding-DNA position 1813, G replaced by T.
Protein change: p.Asp605Tyr; replaces aspartic acid 605 with tyrosine.
Molecular consequence: missense variant.
Genome position (GRCh38, 1-based): chr2:29,296,892, C>A on the plus strand (G>T on the coding strand, the complement: ALK is on the minus strand). VCF-style: chr2-29296892-C-A. GRCh37 (hg19) VCF-style: chr2-29519758-C-A.
Other names: short protein forms D605Y.
Identifiers: ClinVar variation 4824822 (VCV004824822.1).